The following is an entry in ClinVar:

NM_000136.3(FANCC):c.346G>A (p.Gly116Ser)

Gene: FANCC (FA complementation group C; minus strand). Cytogenetic location: 9q22.32.
Variant type: single nucleotide variant.
Coding change: c.346G>A on transcript NM_000136.3 (MANE Select); coding-DNA position 346, G replaced by A.
Protein change: p.Gly116Ser; replaces glycine 116 with serine.
Molecular consequence: missense variant.
Genome position (GRCh38, 1-based): chr9:95,172,147, C>T on the plus strand (G>A on the coding strand, the complement: FANCC is on the minus strand). VCF-style: chr9-95172147-C-T. GRCh37 (hg19) VCF-style: chr9-97934429-C-T.
Other names: c.346G>A, p.Gly116Ser (NM_001243743.2, NM_001243744.2); short protein forms G116S.
Identifiers: ClinVar variation 3512786 (VCV003512786.1).

ClinVar aggregate classification (germline): Uncertain significance (1 of 4 stars; one submission).

Conditions:
Hereditary cancer-predisposing syndrome. Also called: Tumor predisposition; Neoplastic Syndromes, Hereditary; Hereditary Cancer Syndrome; Hereditary neoplastic syndrome. Identifiers: Orphanet 140162, MedGen C0027672, MeSH D009386, MONDO:0015356.

Submission:

Ambry Genetics
Classification: Uncertain significance for Hereditary cancer-predisposing syndrome. Last evaluated: 2024-09-23. Review status: criteria provided, single submitter. Criteria: Ambry Variant Classification Scheme 2023. Collection method: clinical testing. Allele origin: germline.
Comment: The p.G116S variant (also known as c.346G>A) is located in coding exon 4 of the FANCC gene. The glycine at codon 116 is replaced by serine, an amino acid with similar properties. This change occurs in the first base pair of coding exon 4. This amino acid position is conserved. In addition, this alteration is predicted to be tolerated by in silico analysis. Based on the available evidence, the clinical significance of this variant remains unclear.